The following is an entry in ClinVar:

NM_004999.4(MYO6):c.1935C>A (p.Asn645Lys)

Gene: MYO6 (myosin VI; plus strand). Cytogenetic location: 6q14.1.
Variant type: single nucleotide variant.
Coding change: c.1935C>A on transcript NM_004999.4 (MANE Select); coding-DNA position 1935, C replaced by A.
Protein change: p.Asn645Lys; replaces asparagine 645 with lysine.
Molecular consequence: missense variant. On other transcripts: non-coding transcript variant (1).
Genome position (GRCh38, 1-based): chr6:75,867,096, C>A. VCF-style: chr6-75867096-C-A. GRCh37 (hg19) VCF-style: chr6-76576813-C-A.
Other names: c.1935C>A, p.Asn645Lys (NM_001300899.2, NM_001368136.1, NM_001368137.1 and 2 more transcripts); c.1920C>A, p.Asn640Lys (NM_001368138.1); short protein forms N640K, N645K.
Identifiers: ClinVar variation 1206733 (VCV001206733.4), dbSNP rs2149313117, ClinGen allele CA364766438.

ClinVar aggregate classification (germline): Uncertain significance. Review status: criteria provided, multiple submitters, no conflicts (2 of 4 stars). 2 submissions from 2 submitters: Uncertain significance (2). Last evaluated 2025-06-15.

gnomAD v4.1: 1 of 1,611,838 alleles (0.000062%); highest among the groups gnomAD compares: Non-Finnish European, 0.000085%; no homozygotes.

Submissions (2):

Labcorp Genetics (formerly Invitae), Labcorp
Classification: Uncertain significance. Last evaluated: 2025-06-15. Review status: criteria provided, single submitter. Criteria: Invitae Variant Classification Sherloc (09022015). Collection method: clinical testing. Allele origin: germline.
Comment: This sequence change replaces asparagine, which is neutral and polar, with lysine, which is basic and polar, at codon 645 of the MYO6 protein (p.Asn645Lys). This variant is not present in population databases (gnomAD no frequency). This variant has not been reported in the literature in individuals affected with MYO6-related conditions. ClinVar contains an entry for this variant (Variation ID: 1206733). Invitae Evidence Modeling of protein sequence and biophysical properties (such as structural, functional, and spatial information, amino acid conservation, physicochemical variation, residue mobility, and thermodynamic stability) indicates that this missense variant is not expected to disrupt MYO6 protein function with a negative predictive value of 80%. In summary, the available evidence is currently insufficient to determine the role of this variant in disease. Therefore, it has been classified as a Variant of Uncertain Significance.

GeneDx
Classification: Uncertain significance. Last evaluated: 2020-06-22. Review status: criteria provided, single submitter. Criteria: GeneDx Variant Classification Process June 2021. Collection method: clinical testing. Allele origin: germline. Affected: yes.
Comment: Not observed in large population cohorts (Lek et al., 2016); In silico analysis supports that this missense variant does not alter protein structure/function; Has not been previously published as pathogenic or benign to our knowledge